The following is an entry in ClinVar:

NM_000313.4(PROS1):c.684C>G (p.Cys228Trp)

Gene: PROS1 (protein S; minus strand). Cytogenetic location: 3q11.1.
Variant type: single nucleotide variant.
Coding change: c.684C>G on transcript NM_000313.4 (MANE Select); coding-DNA position 684, C replaced by G.
Protein change: p.Cys228Trp; replaces cysteine 228 with tryptophan.
Molecular consequence: missense variant.
Genome position (GRCh38, 1-based): chr3:93,900,847, G>C on the plus strand (C>G on the coding strand, the complement: PROS1 is on the minus strand). VCF-style: chr3-93900847-G-C. GRCh37 (hg19) VCF-style: chr3-93619691-G-C.
Other names: p.Cys228Trp; c.780C>G, p.Cys260Trp (NM_001314077.2); short protein forms C228W, C260W.
Identifiers: ClinVar variation 2664772 (VCV002664772.3), dbSNP rs377173471, ClinGen allele CA353673158.

ClinVar aggregate classification (germline): Likely pathogenic. Review status: criteria provided, multiple submitters, no conflicts (2 of 4 stars). 2 submissions from 2 submitters: Likely pathogenic (2). Last evaluated 2023-12-19.

Conditions:
Thrombophilia due to protein S deficiency, autosomal dominant (THPH5). Identifiers: Orphanet 26349, Orphanet 743, MedGen C3278211, MONDO:0012868, OMIM 612336. Disease mechanism: loss of function.

Submissions (2):

Mayo Clinic Laboratories, Mayo Clinic
Classification: Likely pathogenic. Last evaluated: 2023-12-19. Review status: criteria provided, single submitter. Criteria: ACMG Guidelines, 2015. Collection method: clinical testing. Allele origin: germline. Observed: 1 variant allele.
Comment: PP3, PM1, PM2_moderate, PM5, PS4_moderate

Genetics and Molecular Pathology, SA Pathology
Classification: Likely pathogenic for Thrombophilia due to protein S deficiency, autosomal dominant. Last evaluated: 2021-12-23. Review status: criteria provided, single submitter. Criteria: ACMG Guidelines, 2015. Collection method: clinical testing. Allele origin: germline. Inheritance: Autosomal dominant inheritance. Affected: yes.

Literature cited by the submitters: PubMed 24014240 (cited by Mayo Clinic Laboratories, Mayo Clinic).